The following is an entry in ClinVar:

NM_001370348.2(PHF3):c.4203T>A (p.Ser1401=)

Gene: PHF3 (PHD finger protein 3; plus strand). Cytogenetic location: 6q12.
Variant type: single nucleotide variant.
Coding change: c.4203T>A on transcript NM_001370348.2 (MANE Select); coding-DNA position 4203, T replaced by A.
Protein change: p.Ser1401=; no amino-acid change (serine 1401 retained).
Molecular consequence: synonymous variant.
Genome position (GRCh38, 1-based): chr6:63,711,791, T>A. VCF-style: chr6-63711791-T-A. GRCh37 (hg19) VCF-style: chr6-64421687-T-A.
Other names: c.3939T>A, p.Ser1313= (NM_001290259.2, NM_001370349.2); c.2010T>A, p.Ser670= (NM_001370350.2); c.4203T>A, p.Ser1401= (NM_015153.4).
Identifiers: ClinVar variation 4533550 (VCV004533550.6).

ClinVar aggregate classification (germline): Likely benign (1 of 4 stars; one submission).

gnomAD v4.1: 1,825 of 1,613,318 alleles (0.11%); highest among the groups gnomAD compares: Middle Eastern, 1.4%; 8 homozygotes.

Submission:

CeGaT Center for Human Genetics Tuebingen
Classification: Likely benign. Last evaluated: 2026-05-01. Review status: criteria provided, single submitter. Criteria: CeGaT Center For Human Genetics Tuebingen Variant Classification Criteria Version 2. Collection method: clinical testing. Allele origin: germline. Affected: yes. Observed: 2 variant alleles.
Comment: PHF3: BP4, BP7